The following is an entry in ClinVar:

ClinVar aggregate classification (germline): Uncertain significance. Review status: criteria provided, multiple submitters, no conflicts (2 of 4 stars). 2 submissions from 2 submitters: Uncertain significance (2). Last evaluated 2024-08-29.

Conditions:
Familial thoracic aortic aneurysm and aortic dissection (TAAD). Also called: Thoracic aortic aneurysms and dissections. Identifiers: Orphanet 91387, MedGen C4707243, MONDO:0019625.
Marfan syndrome (MFS). Also called: MARFAN SYNDROME, TYPE I; Marfan syndrome type 1; Marfan's syndrome; Marfan syndrome, classic; FBN1-Related Marfan Syndrome. Identifiers: Orphanet 284963, Orphanet 558, MedGen C0024796, MONDO:0007947, OMIM 154700.

Allele frequency attached by ClinVar (database versions not stated): gnomAD 0.00001; TOPMed 0.00002; gnomAD exomes below 0.00001.

Submissions (2):

Ambry Genetics
Classification: Uncertain significance for Familial thoracic aortic aneurysm and aortic dissection. Last evaluated: 2024-08-29. Review status: criteria provided, single submitter. Criteria: Ambry Variant Classification Scheme 2023. Collection method: clinical testing. Allele origin: germline.
Comment: The p.P421L variant (also known as c.1262C>T), located in coding exon 10 of the FBN1 gene, results from a C to T substitution at nucleotide position 1262. The proline at codon 421 is replaced by leucine, an amino acid with similar properties. This amino acid position is well conserved in available vertebrate species. In addition, this alteration is predicted to be tolerated by in silico analysis. Based on the available evidence, the clinical significance of this variant remains unclear.

Labcorp Genetics (formerly Invitae), Labcorp
Classification: Uncertain significance for Marfan syndrome; Familial thoracic aortic aneurysm and aortic dissection. Last evaluated: 2023-12-27. Review status: criteria provided, single submitter. Criteria: Invitae Variant Classification Sherloc (09022015). Collection method: clinical testing. Allele origin: germline.
Comment: This sequence change replaces proline, which is neutral and non-polar, with leucine, which is neutral and non-polar, at codon 421 of the FBN1 protein (p.Pro421Leu). This variant is not present in population databases (gnomAD no frequency). This missense change has been observed in individual(s) with aortic aneurysm (Invitae). Advanced modeling of protein sequence and biophysical properties (such as structural, functional, and spatial information, amino acid conservation, physicochemical variation, residue mobility, and thermodynamic stability) performed at Invitae indicates that this missense variant is not expected to disrupt FBN1 protein function with a negative predictive value of 95%. In summary, the available evidence is currently insufficient to determine the role of this variant in disease. Therefore, it has been classified as a Variant of Uncertain Significance.

NM_000138.5(FBN1):c.1262C>T (p.Pro421Leu)

Gene: FBN1 (fibrillin 1; minus strand). Cytogenetic location: 15q21.1.
Variant type: single nucleotide variant.
Coding change: c.1262C>T on transcript NM_000138.5 (MANE Select); coding-DNA position 1262, C replaced by T.
Protein change: p.Pro421Leu; replaces proline 421 with leucine.
Molecular consequence: missense variant.
Genome position (GRCh38, 1-based): chr15:48,516,248, G>A on the plus strand (C>T on the coding strand, the complement: FBN1 is on the minus strand). VCF-style: chr15-48516248-G-A. GRCh37 (hg19) VCF-style: chr15-48808445-G-A.
Other names: c.1262C>T, p.Pro421Leu (NM_001406716.1); short protein forms P421L.
Identifiers: ClinVar variation 2924759 (VCV002924759.4), dbSNP rs1168838915, ClinGen allele CA392345509.